The following is an entry in ClinVar:

ClinVar aggregate classification (germline): Uncertain significance (1 of 4 stars; one submission).

Conditions:
Hypodontia. Also called: Partial congenital absence of teeth; TOOTH AGENESIS, FAMILIAL; Tooth agenesis, selective. Identifiers: Orphanet 99798, MedGen C0020608, MONDO:0005486, HP:0000668. Disease mechanism: loss of function.

Allele frequency attached by ClinVar (database versions not stated): ExAC 0.00001; gnomAD 0.00001.
gnomAD v4.1: 10 of 1,613,930 alleles (0.00062%); highest among the groups gnomAD compares: Admixed American, 0.01%; no homozygotes.

Submission:

Labcorp Genetics (formerly Invitae), Labcorp
Classification: Uncertain significance for Hypodontia. Last evaluated: 2025-09-02. Review status: criteria provided, single submitter. Criteria: Invitae Variant Classification Sherloc (09022015). Collection method: clinical testing. Allele origin: germline.
Comment: This sequence change replaces glutamic acid, which is acidic and polar, with lysine, which is basic and polar, at codon 62 of the PAX9 protein (p.Glu62Lys). This variant is present in population databases (rs778437280, gnomAD 0.01%). This variant has not been reported in the literature in individuals affected with PAX9-related conditions. ClinVar contains an entry for this variant (Variation ID: 1376418). Invitae Evidence Modeling of protein sequence and biophysical properties (such as structural, functional, and spatial information, amino acid conservation, physicochemical variation, residue mobility, and thermodynamic stability) indicates that this missense variant is not expected to disrupt PAX9 protein function with a negative predictive value of 80%. In summary, the available evidence is currently insufficient to determine the role of this variant in disease. Therefore, it has been classified as a Variant of Uncertain Significance.

NM_001372076.1(PAX9):c.184G>A (p.Glu62Lys)

Gene: PAX9 (paired box 9; plus strand). Cytogenetic location: 14q13.3.
Variant type: single nucleotide variant.
Coding change: c.184G>A on transcript NM_001372076.1 (MANE Select); coding-DNA position 184, G replaced by A.
Protein change: p.Glu62Lys; replaces glutamic acid 62 with lysine.
Molecular consequence: missense variant.
Genome position (GRCh38, 1-based): chr14:36,663,076, G>A. VCF-style: chr14-36663076-G-A. GRCh37 (hg19) VCF-style: chr14-37132281-G-A.
Other names: c.184G>A, p.Glu62Lys (NM_006194.4); short protein forms E62K.
Identifiers: ClinVar variation 1376418 (VCV001376418.6), dbSNP rs778437280, ClinGen allele CA7158922.